The following is an entry in ClinVar:

ClinVar aggregate classification (germline): Conflicting classifications of pathogenicity. Review status: criteria provided, conflicting classifications (1 of 4 stars). 15 submissions from 15 submitters: Uncertain significance (1); Benign (7); Likely benign (5). 2 of the submissions do not count toward it. Last evaluated 2026-02-03.

Conditions:
TSC2-related disorder. Also called: TSC2-Related Disorders; TSC2-related condition.
Hereditary cancer-predisposing syndrome. Also called: Tumor predisposition; Hereditary neoplastic syndrome; Neoplastic Syndromes, Hereditary; Hereditary Cancer Syndrome. Identifiers: Orphanet 140162, MedGen C0027672, MeSH D009386, MONDO:0015356.
Tuberous sclerosis syndrome (TSC). Also called: Tuberous sclerosis; Tuberous Sclerosis Complex. Identifiers: Orphanet 805, MedGen C0041341, MONDO:0001734.
Tuberous sclerosis 2 (TSC2). Identifiers: Orphanet 805, MedGen C1860707, MONDO:0013199, OMIM 613254.

Allele frequency attached by ClinVar (database versions not stated): ExAC 0.00034; 1000 Genomes Project 0.00040; ESP Exome Variant Server 0.00046; 1000 Genomes Project 30x 0.00047; gnomAD 0.00063 and 0.00067; TOPMed 0.00076.

Submissions (15):

Labcorp Genetics (formerly Invitae), Labcorp
Classification: Benign for Tuberous sclerosis 2. Last evaluated: 2026-02-03. Review status: criteria provided, single submitter. Criteria: Invitae Variant Classification Sherloc (09022015). Collection method: clinical testing. Allele origin: germline.

Genomic Medicine Center of Excellence, King Faisal Specialist Hospital and Research Centre
Classification: Likely benign for Tuberous sclerosis 2. Last evaluated: 2024-09-22. Review status: criteria provided, single submitter. Criteria: ACMG Guidelines, 2015. Collection method: clinical testing. Allele origin: germline.

Myriad Genetics, Inc.
Classification: Likely benign for Tuberous sclerosis 2. Last evaluated: 2024-08-06. Review status: criteria provided, single submitter. Criteria: Myriad Autosomal Dominant, Autosomal Recessive and X-Linked Classification Criteria (2023). Collection method: clinical testing. Allele origin: unknown.
Comment: This variant is considered likely benign. This variant has been observed at a population frequency that is significantly greater than expected given the associated disease prevalence and penetrance.

Blueprint Genetics
Classification: Likely benign. Last evaluated: 2024-06-17. Review status: criteria provided, single submitter. Criteria: ACMG Guidelines, 2015. Collection method: clinical testing. Allele origin: germline.

KCCC/NGS Laboratory, Kuwait Cancer Control Center
Classification: Benign for Tuberous sclerosis 2. Last evaluated: 2023-07-07. Review status: criteria provided, single submitter. Criteria: ACMG Guidelines, 2015. Collection method: clinical testing. Allele origin: germline. Affected: yes.

Color Diagnostics, LLC DBA Color Health
Classification: Benign for Tuberous sclerosis syndrome. Last evaluated: 2022-08-10. Review status: criteria provided, single submitter. Criteria: ACMG Guidelines, 2015. Collection method: clinical testing. Allele origin: germline.

Genome-Nilou Lab
Classification: Benign for Tuberous sclerosis 2. Last evaluated: 2021-11-07. Review status: criteria provided, single submitter. Criteria: ACMG Guidelines, 2015. Collection method: clinical testing. Allele origin: germline. Affected: no.

Sema4
Classification: Benign for Hereditary cancer-predisposing syndrome. Last evaluated: 2021-04-29. Review status: criteria provided, single submitter. Criteria: Sema4 Curation Guidelines. Collection method: curation. Allele origin: germline.

GeneDx
Classification: Benign. Last evaluated: 2019-08-20. Review status: criteria provided, single submitter. Criteria: GeneDx Variant Classification Process June 2021. Collection method: clinical testing. Allele origin: germline. Affected: yes.
Comment: This variant is associated with the following publications: (PMID: 26703369, 24728327)

Athena Diagnostics
Classification: Benign. Last evaluated: 2019-04-04. Review status: criteria provided, single submitter. Criteria: Athena Diagnostics Criteria. Collection method: clinical testing. Allele origin: germline.

Ambry Genetics
Classification: Likely benign for Hereditary cancer-predisposing syndrome. Last evaluated: 2018-08-20. Review status: criteria provided, single submitter. Criteria: Ambry Variant Classification Scheme 2023. Collection method: clinical testing. Allele origin: germline.

Illumina Laboratory Services, Illumina
Classification: Likely benign for Tuberous sclerosis syndrome. Last evaluated: 2018-01-13. Review status: criteria provided, single submitter. Criteria: ICSL Variant Classification Criteria 13 December 2019. Collection method: clinical testing. Allele origin: germline.
Comment: This variant was observed in the ICSL laboratory as part of a predisposition screen in an ostensibly healthy population. It had not been previously curated by ICSL or reported in the Human Gene Mutation Database (HGMD: prior to June 1st, 2018), and was therefore a candidate for classification through an automated scoring system. Utilizing variant allele frequency, disease prevalence and penetrance estimates, and inheritance mode, an automated score was calculated to assess if this variant is too frequent to cause the disease. Based on the score and internal cut-off values, a variant classified as likely benign is not then subjected to further curation. The score for this variant resulted in a classification of likely benign for this disease.

Mayo Clinic Laboratories, Mayo Clinic
Classification: Uncertain significance for Tuberous sclerosis 2. Last evaluated: 2016-09-06. Review status: criteria provided, single submitter. Criteria: ACMG Guidelines, 2015. Collection method: clinical testing. Allele origin: paternal.

PreventionGenetics, part of Exact Sciences
Classification: Likely benign for TSC2-related condition. Last evaluated: 2019-08-22. Review status: no assertion criteria provided. Collection method: clinical testing. Allele origin: germline. Not counted in ClinVar's aggregate classification.
Comment: This variant is classified as likely benign based on ACMG/AMP sequence variant interpretation guidelines (Richards et al. 2015 PMID: 25741868, with internal and published modifications).

ITMI
No classification provided. Condition: AllHighlyPenetrant. Last evaluated: 2013-09-19. Review status: no classification provided. Collection method: reference population. Allele origin: germline. Not counted in ClinVar's aggregate classification.
Comment: Please see associated publication for description of ethnicities

Literature cited by the submitters: PubMed 24728327 (cited by 3 submitters); PubMed 26703369 (cited by Athena Diagnostics and Ambry Genetics).

NM_000548.5(TSC2):c.4007C>T (p.Ser1336Leu)

Gene: TSC2 (TSC complex subunit 2; plus strand). Cytogenetic location: 16p13.3.
Variant type: single nucleotide variant.
Coding change: c.4007C>T on transcript NM_000548.5 (MANE Select); coding-DNA position 4007, C replaced by T.
Protein change: p.Ser1336Leu; replaces serine 1336 with leucine.
Molecular consequence: missense variant.
Genome position (GRCh38, 1-based): chr16:2,084,229, C>T. VCF-style: chr16-2084229-C-T. GRCh37 (hg19) VCF-style: chr16-2134230-C-T.
Other names: p.S1336L:TCG>TTG; c.3806C>T, p.Ser1269Leu (NM_001077183.3); c.3938C>T, p.Ser1313Leu (NM_001114382.3); c.3698C>T, p.Ser1233Leu (NM_001318827.2); c.3662C>T, p.Ser1221Leu (NM_001318829.2); c.3275C>T, p.Ser1092Leu (NM_001318831.2); c.3839C>T, p.Ser1280Leu (NM_001318832.2); c.3809C>T, p.Ser1270Leu (NM_001363528.2); and 3 more; short protein forms S1336L, S1269L, S1221L, S1293L, S1233L, S1270L, S1313L, S1092L.
Identifiers: ClinVar variation 135385 (VCV000135385.36), dbSNP rs148527903, ClinGen allele CA019831.